The following is an entry in ClinVar:

ClinVar aggregate classification (germline): Uncertain significance (1 of 4 stars; one submission).

Conditions:
Cutis laxa, autosomal recessive, type 1B (ARCL1B). Also called: EFEMP2-Related Cutis Laxa; CUTIS LAXA, AUTOSOMAL RECESSIVE, TYPE IB. Identifiers: Orphanet 90349, MedGen C3280798, MONDO:0013754, OMIM 614437. Disease mechanism: loss of function.

Allele frequency attached by ClinVar (database versions not stated): gnomAD 0.00001; TOPMed 0.00001.
gnomAD v4.1: 17 of 1,614,010 alleles (0.0011%); highest among the groups gnomAD compares: East Asian, 0.0022%; no homozygotes.

Submissions (2):

Labcorp Genetics (formerly Invitae), Labcorp
Classification: Uncertain significance for Cutis laxa, autosomal recessive, type 1B. Last evaluated: 2022-05-17. Review status: criteria provided, single submitter. Criteria: Invitae Variant Classification Sherloc (09022015). Collection method: clinical testing. Allele origin: germline.
Comment: This variant is present in population databases (rs768004972, gnomAD 0.02%). This sequence change replaces alanine, which is neutral and non-polar, with valine, which is neutral and non-polar, at codon 365 of the EFEMP2 protein (p.Ala365Val). This variant has not been reported in the literature in individuals affected with EFEMP2-related conditions. Algorithms developed to predict the effect of missense changes on protein structure and function (SIFT, PolyPhen-2, Align-GVGD) all suggest that this variant is likely to be disruptive. Algorithms developed to predict the effect of sequence changes on RNA splicing suggest that this variant may create or strengthen a splice site. In summary, the available evidence is currently insufficient to determine the role of this variant in disease. Therefore, it has been classified as a Variant of Uncertain Significance.

Dr. Peter K. Rogan Lab, Western University
No classification provided (evidence only). Condition: Thyroid cancer, nonmedullary, 1. Review status: no classification provided. Collection method: in vitro. Allele origin: not applicable. Functional consequence: cryptic splice site. Not counted in ClinVar's aggregate classification.

NM_016938.5(EFEMP2):c.1094C>T (p.Ala365Val)

Gene: EFEMP2 (EGF-like fibulin extracellular matrix protein 2; minus strand). Cytogenetic location: 11q13.1.
Variant type: single nucleotide variant.
Coding change: c.1094C>T on transcript NM_016938.5 (MANE Select); coding-DNA position 1094, C replaced by T.
Protein change: p.Ala365Val; replaces alanine 365 with valine.
Molecular consequence: missense variant. On other transcripts: non-coding transcript variant (1).
Genome position (GRCh38, 1-based): chr11:65,867,937, G>A on the plus strand (C>T on the coding strand, the complement: EFEMP2 is on the minus strand). VCF-style: chr11-65867937-G-A. GRCh37 (hg19) VCF-style: chr11-65635408-G-A.
Other names: short protein forms A365V.
Identifiers: ClinVar variation 1419689 (VCV001419689.7), dbSNP rs768004972, ClinGen allele CA6110415.
Genomic context (GRCh38, chr11:65,867,937, plus strand): 5'-CCCTGCGAGTTTCCAGCACGGATCTGAAAGGCATTGTAGGCACCGGGGTAGACGGAGGTC[G>A]CCTGGATCTGGAACACGTCAGCGGGCACGCTCCGCTCCGAGGTGATGGTCATGTAGCGGT-3'
Protein context (NP_058634.4, residues 355-375): SVPADVFQIQ[Ala365Val]TSVYPGAYNA